The following is an entry in ClinVar:

ClinVar aggregate classification (germline): Uncertain significance (1 of 4 stars; one submission).

Allele frequency attached by ClinVar (database versions not stated): gnomAD 0.00003 and 0.00005; TOPMed 0.00003; gnomAD exomes 0.00008 and 0.00017; 1000 Genomes Project 30x 0.00016; 1000 Genomes Project 0.00020; ExAC 0.00035.
gnomAD v4.1: 125 of 1,560,168 alleles (0.008%); highest among the groups gnomAD compares: South Asian, 0.1%; 3 homozygotes.

Submission:

Labcorp Genetics (formerly Invitae), Labcorp
Classification: Uncertain significance. Last evaluated: 2022-09-26. Review status: criteria provided, single submitter. Criteria: Invitae Variant Classification Sherloc (09022015). Collection method: clinical testing. Allele origin: germline.
Comment: This sequence change replaces valine, which is neutral and non-polar, with methionine, which is neutral and non-polar, at codon 371 of the SLC9A3 protein (p.Val371Met). This variant is present in population databases (rs202021459, gnomAD 0.1%). This variant has not been reported in the literature in individuals affected with SLC9A3-related conditions. ClinVar contains an entry for this variant (Variation ID: 1440621). Advanced modeling of protein sequence and biophysical properties (such as structural, functional, and spatial information, amino acid conservation, physicochemical variation, residue mobility, and thermodynamic stability) performed at Invitae indicates that this missense variant is expected to disrupt SLC9A3 protein function. In summary, the available evidence is currently insufficient to determine the role of this variant in disease. Therefore, it has been classified as a Variant of Uncertain Significance.

NM_004174.4(SLC9A3):c.1111G>A (p.Val371Met)

Gene: SLC9A3 (solute carrier family 9 member A3). Cytogenetic location: 5p15.33.
Variant type: single nucleotide variant.
Coding change: c.1111G>A on transcript NM_004174.4 (MANE Select); coding-DNA position 1111, G replaced by A.
Protein change: p.Val371Met; replaces valine 371 with methionine.
Molecular consequence: missense variant.
Genome position (GRCh38, 1-based): chr5:483,304, C>T on the plus strand (G>A on the coding strand, the complement: SLC9A3 is on the minus strand). VCF-style: chr5-483304-C-T. GRCh37 (hg19) VCF-style: chr5-483419-C-T.
Other names: c.1111G>A, p.Val371Met (NM_001284351.3); short protein forms V371M.
Identifiers: ClinVar variation 1440621 (VCV001440621.4), dbSNP rs202021459, ClinGen allele CA3176089.